The following is an entry in ClinVar:

ClinVar aggregate classification (germline): Pathogenic (1 of 4 stars; one submission).

Conditions:
Gorlin syndrome. Also called: Nevoid Basal Cell Carcinoma Syndrome; Basal cell nevus syndrome. Identifiers: Orphanet 377, MedGen C0004779, MONDO:0007187.

Submission:

Labcorp Genetics (formerly Invitae), Labcorp
Classification: Pathogenic for Gorlin syndrome. Last evaluated: 2025-03-16. Review status: criteria provided, single submitter. Criteria: Invitae Variant Classification Sherloc (09022015). Collection method: clinical testing. Allele origin: germline.
Comment: This sequence change creates a premature translational stop signal (p.Arg824Glyfs*6) in the PTCH1 gene. It is expected to result in an absent or disrupted protein product. Loss-of-function variants in PTCH1 are known to be pathogenic (PMID: 16301862, 16419085). This variant is not present in population databases (gnomAD no frequency). This variant has not been reported in the literature in individuals affected with PTCH1-related conditions. For these reasons, this variant has been classified as Pathogenic.

Literature cited by the submitters: PubMed 16301862; PubMed 16419085.

NM_000264.5(PTCH1):c.2470del (p.Arg824fs)

Genes: PTCH1 (patched 1; minus strand), LOC100507346 (uncharacterized LOC100507346; plus strand). Cytogenetic location: 9q22.32.
Variant type: Deletion.
Coding change: c.2470del on transcript NM_000264.5 (MANE Select); coding-DNA position 2470, one base deleted (A; older notation c.2470delA).
Protein change: p.Arg824fs; shifts the reading frame from arginine 824.
Molecular consequence: frameshift variant. On other transcripts: non-coding transcript variant (2).
Genome position (GRCh38, 1-based): chr9:95,467,206, T deleted on the plus strand (A on the coding strand, the reverse complement: PTCH1 is on the minus strand). VCF-style (leftmost placement, unchanged base first): chr9-95467205-CT-C. GRCh37 (hg19) VCF-style: chr9-98229487-CT-C.
Other names: c.2272del, p.Arg758fs (NM_001083602.3); c.2467del, p.Arg823fs (NM_001083603.3); c.2017del, p.Arg673fs (NM_001083604.3, NM_001083605.3, NM_001083606.3 and 1 more transcripts); c.2314del, p.Arg772fs (NM_001354918.2); short protein forms R824fs, R758fs, R772fs, R823fs, R673fs.
Identifiers: ClinVar variation 4715147 (VCV004715147.1).